The following is an entry in ClinVar:

ClinVar aggregate classification (germline): Uncertain significance (1 of 4 stars; one submission).

Conditions:
Low phospholipid associated cholelithiasis (GBD1). Also called: Gallbladder disease 1; Gallstone cholecystitis. Identifiers: Orphanet 69663, MedGen C2609268, MONDO:0010939, OMIM 600803.

Submission:

Genomenon, Inc
Classification: Uncertain significance for Low phospholipid associated cholelithiasis. Last evaluated: 2026-04-14. Review status: criteria provided, single submitter. Criteria: Genomenon Sequence Variant Interpretation Standards - Updated. Collection method: curation. Allele origin: germline. Affected: yes.
Comment: ABCB4 p.Val1068Glu (c.3203T>A) is a missense variant that changes the amino acid at residue 1068 from Valine to Glutamic acid. This variant has been observed in at least one proband with an ABCB4-related disorder (PMID:20887599). It is absent or not present at a significant frequency in gnomAD. In silico models predict that this variant is possibly or probably damaging. In conclusion, we classify ABCB4 p.Val1068Glu (c.3203T>A) as a variant of uncertain significance.

Literature cited by the submitters: PubMed 20887599.

NM_000443.4(ABCB4):c.3203T>A (p.Val1068Glu)

Gene: ABCB4 (ATP binding cassette subfamily B member 4; minus strand). Cytogenetic location: 7q21.12.
Variant type: single nucleotide variant.
Coding change: c.3203T>A on transcript NM_000443.4 (MANE Select); coding-DNA position 3203, T replaced by A.
Protein change: p.Val1068Glu; replaces valine 1068 with glutamic acid.
Molecular consequence: missense variant.
Genome position (GRCh38, 1-based): chr7:87,408,113, A>T on the plus strand (T>A on the coding strand, the complement: ABCB4 is on the minus strand). VCF-style: chr7-87408113-A-T. GRCh37 (hg19) VCF-style: chr7-87037429-A-T.
Other names: c.3203T>A, p.Val1068Glu (NM_018849.3); c.3062T>A, p.Val1021Glu (NM_018850.3); short protein forms V1021E, V1068E.
Identifiers: ClinVar variation 4846649 (VCV004846649.1).
Genomic context (GRCh38, chr7:87,408,113, plus strand): 5'-GGGTCGTAGAACCGCTCCAGGAGCTGGACCACCGTGCTCTTCCCACAGCCACTGCTGCCC[A>T]CCAGGGCTAGTGTCTGGCCTTTCTTCACCTCCAGGCTCAGCCCCTGAAGCACTGGCACGT-3'
Protein context (NP_000434.1, residues 1058-1078): EVKKGQTLAL[Val1068Glu]GSSGCGKSTV